The following is an entry in ClinVar:

ClinVar aggregate classification (germline): Conflicting classifications of pathogenicity. Review status: criteria provided, conflicting classifications (1 of 4 stars). 2 submissions from 2 submitters: Uncertain significance (1); Likely benign (1). Last evaluated 2024-10-01.

Conditions:
Hereditary breast ovarian cancer syndrome. Also called: Hereditary breast and ovarian cancer syndrome; Hereditary breast and ovarian cancer syndrome (HBOC); BRCA1- and BRCA2-Associated Hereditary Breast and Ovarian Cancer; Hereditary breast and ovarian cancer; Breast and ovarian cancer; Hereditary breast and/or ovarian cancer syndrome. Identifiers: Orphanet 145, MedGen C0677776, MeSH D061325, MONDO:0003582. Disease mechanism: loss of function.

Submissions (2):

Labcorp Genetics (formerly Invitae), Labcorp
Classification: Likely benign for Hereditary breast ovarian cancer syndrome. Last evaluated: 2024-10-01. Review status: criteria provided, single submitter. Criteria: Invitae Variant Classification Sherloc (09022015). Collection method: clinical testing. Allele origin: germline.

Quest Diagnostics Nichols Institute San Juan Capistrano
Classification: Uncertain significance. Last evaluated: 2022-12-27. Review status: criteria provided, single submitter. Criteria: Quest Diagnostics criteria. Collection method: clinical testing. Allele origin: unknown.
Comment: This variant has not been reported in the published literature. It also has not been reported in large, multi-ethnic general populations. Analysis of this variant using software algorithms for the prediction of the effect of nucleotide changes on splicing yielded predictions that this variant does not affect BRCA2 mRNA splicing . Based on the available information, we are unable to determine the clinical significance of this variant.

NM_000059.4(BRCA2):c.1059A>T (p.Ser353=)

Gene: BRCA2 (BRCA2 DNA repair associated; plus strand). Cytogenetic location: 13q13.1.
Variant type: single nucleotide variant.
Coding change: c.1059A>T on transcript NM_000059.4 (MANE Select); coding-DNA position 1059, A replaced by T.
Protein change: p.Ser353=; no amino-acid change (serine 353 retained).
Molecular consequence: synonymous variant. On other transcripts: non-coding transcript variant (1), intron variant (1).
Genome position (GRCh38, 1-based): chr13:32,332,537, A>T. VCF-style: chr13-32332537-A-T. GRCh37 (hg19) VCF-style: chr13-32906674-A-T.
Other names: c.1059A>T, p.Ser353= (NM_001406719.1, NM_001406720.1, NM_001406721.1); c.424+1507A>T (NM_001406722.1).
Identifiers: ClinVar variation 2681818 (VCV002681818.3), dbSNP rs730881585, ClinGen allele CA6940486.